The following is an entry in ClinVar:

NM_024408.4(NOTCH2):c.312A>G (p.Ser104=)

Gene: NOTCH2 (notch receptor 2; minus strand). Cytogenetic location: 1p12.
Variant type: single nucleotide variant.
Coding change: c.312A>G on transcript NM_024408.4 (MANE Select); coding-DNA position 312, A replaced by G.
Protein change: p.Ser104=; no amino-acid change (serine 104 retained).
Molecular consequence: synonymous variant.
Genome position (GRCh38, 1-based): chr1:120,005,432, T>C on the plus strand (A>G on the coding strand, the complement: NOTCH2 is on the minus strand). VCF-style: chr1-120005432-T-C. GRCh37 (hg19) VCF-style: chr1-120548055-T-C.
Other names: c.312A>G, p.Ser104= (NM_001200001.2).
Identifiers: ClinVar variation 1174709 (VCV001174709.10), dbSNP rs2793999, ClinGen allele CA1040891.

ClinVar aggregate classification (germline): Likely benign. Review status: criteria provided, multiple submitters, no conflicts (2 of 4 stars). 5 submissions from 5 submitters: Likely benign (2). 3 of the submissions do not count toward it. Last evaluated 2026-02-01.

Allele frequency attached by ClinVar (database versions not stated): ExAC 0.00002; gnomAD 0.00016; 1000 Genomes Project 30x 0.00031.

Submissions (5):

CeGaT Center for Human Genetics Tuebingen
Classification: Likely benign. Last evaluated: 2026-02-01. Review status: criteria provided, single submitter. Criteria: CeGaT Center For Human Genetics Tuebingen Variant Classification Criteria Version 2. Collection method: clinical testing. Allele origin: germline. Affected: yes. Observed: 1 variant allele.
Comment: NOTCH2: BP4, BP7

Blueprint Genetics
Classification: Likely benign. Last evaluated: 2024-01-24. Review status: criteria provided, single submitter. Criteria: ACMG Guidelines, 2015. Collection method: clinical testing. Allele origin: germline.

Clinical Genetics DNA and cytogenetics Diagnostics Lab, Erasmus MC, Erasmus Medical Center
Classification: Likely benign. Review status: no assertion criteria provided. Collection method: clinical testing. Allele origin: germline. Affected: yes. Study: VKGL Data-share Consensus. Not counted in ClinVar's aggregate classification.

Diagnostic Laboratory, Department of Genetics, University Medical Center Groningen
Classification: Likely benign. Review status: no assertion criteria provided. Collection method: clinical testing. Allele origin: germline. Affected: yes. Study: VKGL Data-share Consensus. Not counted in ClinVar's aggregate classification.

Genome Diagnostics Laboratory, University Medical Center Utrecht
Classification: Likely benign. Review status: no assertion criteria provided. Collection method: clinical testing. Allele origin: germline. Affected: yes. Study: VKGL Data-share Consensus. Not counted in ClinVar's aggregate classification.